The following is an entry in ClinVar:

ClinVar aggregate classification (germline): Uncertain significance (1 of 4 stars; one submission).

Submission:

GeneDx
Classification: Uncertain significance. Last evaluated: 2023-11-29. Review status: criteria provided, single submitter. Criteria: GeneDx Variant Classification Process June 2021. Collection method: clinical testing. Allele origin: germline. Affected: yes.
Comment: Not observed at significant frequency in large population cohorts (gnomAD); In silico analysis supports that this missense variant has a deleterious effect on protein structure/function; Has not been previously published as pathogenic or benign to our knowledge

NM_015466.4(PTPN23):c.1250T>G (p.Ile417Ser)

Gene: PTPN23 (protein tyrosine phosphatase non-receptor type 23; plus strand). Cytogenetic location: 3p21.31.
Variant type: single nucleotide variant.
Coding change: c.1250T>G on transcript NM_015466.4 (MANE Select); coding-DNA position 1250, T replaced by G.
Protein change: p.Ile417Ser; replaces isoleucine 417 with serine.
Molecular consequence: missense variant.
Genome position (GRCh38, 1-based): chr3:47,408,410, T>G. VCF-style: chr3-47408410-T-G. GRCh37 (hg19) VCF-style: chr3-47449900-T-G.
Other names: c.872T>G, p.Ile291Ser (NM_001304482.2); short protein forms I291S, I417S.
Identifiers: ClinVar variation 3365147 (VCV003365147.1).